The following is an entry in ClinVar:

ClinVar aggregate classification (germline): Conflicting classifications of pathogenicity. Review status: criteria provided, conflicting classifications (1 of 4 stars). 4 submissions from 4 submitters: Uncertain significance (2); Likely benign (2). Last evaluated 2024-07-01.

Conditions:
Marfan syndrome (MFS). Also called: MARFAN SYNDROME, TYPE I; FBN1-Related Marfan Syndrome; Marfan syndrome type 1; Marfan's syndrome; Marfan syndrome, classic. Identifiers: Orphanet 284963, Orphanet 558, MedGen C0024796, MONDO:0007947, OMIM 154700.
Familial thoracic aortic aneurysm and aortic dissection (TAAD). Also called: Thoracic aortic aneurysms and dissections. Identifiers: Orphanet 91387, MedGen C4707243, MONDO:0019625.

Allele frequency attached by ClinVar (database versions not stated): gnomAD exomes below 0.00001 and 0.00002; TOPMed 0.00002; ExAC 0.00001; gnomAD 0.00002.
gnomAD v4.1: 10 of 1,613,796 alleles (0.00062%); highest among the groups gnomAD compares: East Asian, 0.018%; no homozygotes.

Submissions (4):

Color Diagnostics, LLC DBA Color Health
Classification: Likely benign for Familial thoracic aortic aneurysm and aortic dissection. Last evaluated: 2024-07-01. Review status: criteria provided, single submitter. Criteria: ACMG Guidelines, 2015. Collection method: clinical testing. Allele origin: germline.

All of Us Research Program, National Institutes of Health
Classification: Uncertain significance for Marfan syndrome. Last evaluated: 2023-04-03. Review status: criteria provided, single submitter. Criteria: ACMG Guidelines, 2015. Collection method: clinical testing. Allele origin: germline. Inheritance: Autosomal dominant inheritance. Observed: 1 variant allele, 1 heterozygote.
Comment: This missense variant replaces lysine with glutamic acid at codon 278 of the FBN1 protein. Computational prediction suggests that this variant may not impact protein structure and function (internally defined REVEL score threshold <= 0.5, PMID: 27666373). To our knowledge, functional studies have not been reported for this variant. This variant has not been reported in individuals affected with FBN1-related disorders in the literature. This variant has been identified in 9/282840 chromosomes in the general population by the Genome Aggregation Database (gnomAD). The available evidence is insufficient to determine the role of this variant in disease conclusively. Therefore, this variant is classified as a Variant of Uncertain Significance.

This study involves interpretation of variants in research participants for the purpose of population health screening. Participant phenotype was not available at the time of variant classification. Additional details can be found in publication PMID: 35346344, PMCID: PMC8962531

Labcorp Genetics (formerly Invitae), Labcorp
Classification: Likely benign for Marfan syndrome; Familial thoracic aortic aneurysm and aortic dissection. Last evaluated: 2022-11-14. Review status: criteria provided, single submitter. Criteria: Invitae Variant Classification Sherloc (09022015). Collection method: clinical testing. Allele origin: germline.

GeneDx
Classification: Uncertain significance. Last evaluated: 2017-09-05. Review status: criteria provided, single submitter. Criteria: GeneDx Variant Classification (06012015). Collection method: clinical testing. Allele origin: germline. Affected: yes.
Comment: A variant of uncertain significance has been identified in the FBN1 gene. The K278E variant has not been published as pathogenic or been reported as benign to our knowledge. This variant is also not observed at a significant frequency in large population cohorts (Lek et al., 2016; 1000 Genomes Consortium et al., 2015; Exome Variant Server). This substitution occurs at a position where amino acids with similar properties to lysine (K) are tolerated across species, and K278E is a non-conservative amino acid substitution, which is likely to impact secondary protein structure as these residues differ in polarity, charge, size and/or other properties. Nevertheless, in silico analysis is inconsistent in its predictions as to whether or not the variant is damaging to the protein structure/function. Additionally, while K278E is located within a calcium-binding EGF-like domain of the FBN1 gene, this variant does not affect a Cysteine residue within this domain. Cysteine substitutions in the calcium-binding EGF-like domains represent the majority of pathogenic missense changes associated with FBN1-related disorders (Collod-Beroud et al., 2003).

NM_000138.5(FBN1):c.832A>G (p.Lys278Glu)

Gene: FBN1 (fibrillin 1; minus strand). Cytogenetic location: 15q21.1.
Variant type: single nucleotide variant.
Coding change: c.832A>G on transcript NM_000138.5 (MANE Select); coding-DNA position 832, A replaced by G.
Protein change: p.Lys278Glu; replaces lysine 278 with glutamic acid.
Molecular consequence: missense variant.
Genome position (GRCh38, 1-based): chr15:48,534,110, T>C on the plus strand (A>G on the coding strand, the complement: FBN1 is on the minus strand). VCF-style: chr15-48534110-T-C. GRCh37 (hg19) VCF-style: chr15-48826307-T-C.
Other names: short protein forms K278E.
Identifiers: ClinVar variation 451847 (VCV000451847.9), dbSNP rs775505429, ClinGen allele CA059948.